The following is an entry in ClinVar:

ClinVar aggregate classification (germline): Benign (1 of 4 stars; one submission).

Conditions:
Lynch syndrome 5 (LYNCH5). Also called: Colorectal cancer, hereditary nonpolyposis, type 5; Hereditary non-polyposis colorectal cancer, type 5. Identifiers: Orphanet 144, MedGen C1833477, MONDO:0013710, OMIM 614350. Disease mechanism: loss of function.

Submission:

Myriad Genetics, Inc.
Classification: Benign for Lynch syndrome 5. Last evaluated: 2024-12-19. Review status: criteria provided, single submitter. Criteria: Myriad Autosomal Dominant, Autosomal Recessive and X-Linked Classification Criteria (2023). Collection method: clinical testing. Allele origin: unknown.
Comment: This variant is considered benign. This variant is a silent/synonymous amino acid change and it is not expected to impact splicing.

NM_000179.3(MSH6):c.735A>C (p.Ile245=)

Gene: MSH6 (mutS homolog 6; plus strand). Cytogenetic location: 2p16.3.
Variant type: single nucleotide variant.
Coding change: c.735A>C on transcript NM_000179.3 (MANE Select); coding-DNA position 735, A replaced by C.
Protein change: p.Ile245=; no amino-acid change (isoleucine 245 retained).
Molecular consequence: synonymous variant. On other transcripts: 5 prime UTR variant (9), non-coding transcript variant (4), intron variant (1).
Genome position (GRCh38, 1-based): chr2:47,798,718, A>C. VCF-style: chr2-47798718-A-C. GRCh37 (hg19) VCF-style: chr2-48025857-A-C.
Other names: c.345A>C, p.Ile115= (NM_001281492.2); c.-172A>C (NM_001281493.2, NM_001281494.2, NM_001406811.1 and 6 more transcripts); c.831A>C, p.Ile277= (NM_001406795.1, NM_001406802.1); c.735A>C, p.Ile245= (NM_001406796.1, NM_001406798.1, NM_001406800.1 and 4 more transcripts); c.438A>C, p.Ile146= (NM_001406797.1, NM_001406801.1, NM_001406805.1 and 10 more transcripts); c.210A>C, p.Ile70= (NM_001406799.1, NM_001406806.1, NM_001406807.1); c.657A>C, p.Ile219= (NM_001406804.1); c.741A>C, p.Ile247= (NM_001406813.1); and 2 more.
Identifiers: ClinVar variation 3904026 (VCV003904026.1).
Genomic context (GRCh38, chr2:47,798,718, plus strand): 5'-TGAGAGTGAAGAGGAAGTACAGCCTAAGACACAAGGATCTAGGCGAAGTAGCCGCCAAAT[A>C]AAAAAACGAAGGGTCATATCAGATTCTGAGAGTGACATTGGTGGCTCTGATGTGGAATTT-3'
Protein context (NP_000170.1, residues 235-255): TQGSRRSSRQ[Ile245=]KKRRVISDSE